The following is an entry in ClinVar:

ClinVar aggregate classification (germline): Pathogenic (1 of 4 stars; one submission).

Submission:

GeneDx
Classification: Pathogenic. Last evaluated: 2025-07-21. Review status: criteria provided, single submitter. Criteria: GeneDx Variant Classification Process June 2021. Collection method: clinical testing. Allele origin: germline. Affected: yes.
Comment: Not observed at significant frequency in large population cohorts (gnomAD); In silico analysis supports that this missense variant has a deleterious effect on protein structure/function; This variant is associated with the following publications: (PMID: 39774290, 34478686)

NM_003931.3(WASF1):c.481T>C (p.Trp161Arg)

Gene: WASF1 (WASP family member 1; minus strand). Cytogenetic location: 6q21.
Variant type: single nucleotide variant.
Coding change: c.481T>C on transcript NM_003931.3 (MANE Select); coding-DNA position 481, T replaced by C.
Protein change: p.Trp161Arg; replaces tryptophan 161 with arginine.
Molecular consequence: missense variant.
Genome position (GRCh38, 1-based): chr6:110,107,136, A>G on the plus strand (T>C on the coding strand, the complement: WASF1 is on the minus strand). VCF-style: chr6-110107136-A-G. GRCh37 (hg19) VCF-style: chr6-110428339-A-G.
Other names: c.481T>C, p.Trp161Arg (NM_001024934.2, NM_001024935.2, NM_001024936.2); short protein forms W161R.
Identifiers: ClinVar variation 4686772 (VCV004686772.1).